The following is an entry in ClinVar:

NM_001171971.3(CDHR1):c.2164G>A (p.Glu722Lys)

Gene: CDHR1 (cadherin related family member 1; plus strand). Cytogenetic location: 10q23.1.
Variant type: single nucleotide variant.
Coding change: c.2164G>A on transcript NM_001171971.3; coding-DNA position 2164, G replaced by A.
Protein change: p.Glu722Lys; replaces glutamic acid 722 with lysine.
Molecular consequence: missense variant.
Genome position (GRCh38, 1-based): chr10:84,219,202, G>A. VCF-style: chr10-84219202-G-A. GRCh37 (hg19) VCF-style: chr10-85978958-G-A.
Other names: short protein forms E722K.
Identifiers: ClinVar variation 4908422 (VCV004908422.2).

ClinVar aggregate classification (germline): Conflicting classifications of pathogenicity. Review status: criteria provided, conflicting classifications (1 of 4 stars). 2 submissions from 2 submitters: Uncertain significance (1); Likely benign (1). Last evaluated 2025-01-16.

Conditions:
CDHR1-related disorder. Also called: CDHR1-related condition.

gnomAD v4.1: 237 of 1,550,802 alleles (0.015%); highest among the groups gnomAD compares: South Asian, 0.25%; 1 homozygote.

Submissions (2):

PreventionGenetics, part of Exact Sciences
Classification: Likely benign for CDHR1-related condition. Last evaluated: 2025-01-16. Review status: criteria provided, single submitter. Criteria: ACMG Guidelines, 2015. Collection method: clinical testing. Allele origin: germline.
Comment: This variant is classified as likely benign based on ACMG/AMP sequence variant interpretation guidelines (Richards et al. 2015 PMID: 25741868, with internal and published modifications).

Blueprint Genetics
Classification: Uncertain significance. Last evaluated: 2024-11-11. Review status: criteria provided, single submitter. Criteria: ACMG Guidelines, 2015. Collection method: clinical testing. Allele origin: germline.